The following is an entry in ClinVar:

NM_058216.3(RAD51C):c.80T>C (p.Leu27Pro)

Gene: RAD51C (RAD51 paralog C; plus strand). Cytogenetic location: 17q22.
Variant type: single nucleotide variant.
Coding change: c.80T>C on transcript NM_058216.3 (MANE Select); coding-DNA position 80, T replaced by C.
Protein change: p.Leu27Pro; replaces leucine 27 with proline.
Molecular consequence: missense variant. On other transcripts: non-coding transcript variant (1).
Genome position (GRCh38, 1-based): chr17:58,692,723, T>C. VCF-style: chr17-58692723-T-C. GRCh37 (hg19) VCF-style: chr17-56770084-T-C.
Other names: c.80T>C, p.Leu27Pro (NM_002876.4); short protein forms L27P.
Identifiers: ClinVar variation 140837 (VCV000140837.32), dbSNP rs587781309, ClinGen allele CA163703.

ClinVar aggregate classification (germline): Conflicting classifications of pathogenicity. Review status: criteria provided, conflicting classifications (1 of 4 stars). 9 submissions from 9 submitters: Likely pathogenic (5); Uncertain significance (4). Last evaluated 2025-09-08.

Conditions:
Hereditary cancer-predisposing syndrome. Also called: Neoplastic Syndromes, Hereditary; Hereditary Cancer Syndrome; Hereditary neoplastic syndrome; Tumor predisposition. Identifiers: Orphanet 140162, MedGen C0027672, MeSH D009386, MONDO:0015356.
Hereditary breast ovarian cancer syndrome. Also called: Hereditary breast and ovarian cancer syndrome; Hereditary breast and/or ovarian cancer syndrome; BRCA1- and BRCA2-Associated Hereditary Breast and Ovarian Cancer; Hereditary breast and ovarian cancer; Breast and ovarian cancer; Hereditary breast and ovarian cancer syndrome (HBOC). Identifiers: Orphanet 145, MedGen C0677776, MeSH D061325, MONDO:0003582. Disease mechanism: loss of function.
Breast-ovarian cancer, familial, susceptibility to, 2 (BROVCA2). Also called: BRCA2 Hereditary Breast and Ovarian Cancer. Identifiers: Orphanet 145, MedGen C2675520, MONDO:0012933, OMIM 612555. Disease mechanism: loss of function.
Fanconi anemia complementation group O. Also called: RAD51C-Related Fanconi Anemia. Identifiers: Orphanet 84, MedGen C3150653, MONDO:0013248, OMIM 613390.
Breast-ovarian cancer, familial, susceptibility to, 3. Also called: RAD51C-Related Breast/Ovarian Cancer. Identifiers: Orphanet 145, MedGen C3150659, MONDO:0013253, OMIM 613399.

Allele frequency attached by ClinVar (database versions not stated): gnomAD exomes below 0.00001.
gnomAD v4.1: 2 of 1,614,226 alleles (0.00012%); highest among the groups gnomAD compares: Non-Finnish European, 0.00017%; no homozygotes.

Submissions (9):

Ambry Genetics
Classification: Likely pathogenic for Hereditary cancer-predisposing syndrome. Last evaluated: 2025-09-08. Review status: criteria provided, single submitter. Criteria: Ambry Variant Classification Scheme 2023. Collection method: clinical testing. Allele origin: germline.
Comment: The p.L27P variant (also known as c.80T>C), located in coding exon 1 of the RAD51C gene, results from a T to C substitution at nucleotide position 80. The leucine at codon 27 is replaced by proline, an amino acid with similar properties. This variant was identified in 1/3447 cases of invasive epithelial ovarian cancer and in 0/4812 unaffected controls (Song H et al. J Clin Oncol, 2015 Sep;33:2901-7). In multiple assays testing RAD51C function, this alteration showed an abnormal read-out (Prakash R et al. Proc Natl Acad Sci U S A, 2022 Sep;119:e2202727119; Hu C et al. Cancer Res, 2023 Aug;83:2557-2571; Olvera-Le&oacute;n R et al Cell 2024 Oct;187(20):5719-5734.e19). This amino acid position is highly conserved in available vertebrate species. In addition, this alteration is predicted to be deleterious by in silico analysis. This variant is considered to be rare based on population cohorts in the Genome Aggregation Database (gnomAD). Based on the majority of available evidence to date, this variant is likely to be pathogenic.

German Consortium for Hereditary Breast and Ovarian Cancer, University Hospital Cologne
Classification: Likely pathogenic for Hereditary breast ovarian cancer syndrome. Last evaluated: 2025-07-09. Review status: criteria provided, single submitter. Criteria: ACMG Guidelines, 2015. Collection method: curation. Allele origin: germline.
Comment: This classification follows the ACMG SVI adaptation classification scheme; We chose these criteria: PS3 (strong pathogenic): Functional studies have shown that this variant significantly reduced homologous recombination activity (PMID: 36099300, 37253112), sensitivity to cisplatin and olaparib (PMID: 37253112), and impacts function (PMID: 39299233) Fast depleted in SGE (Olvera-León), PM2 (supporting pathogenic): 2x in gnomAD V4, nicht in gnomAD V2, PP3 (supporting pathogenic): REVEL = 0.710 (thus [0.644, 0.773), as per Pejaver (2022, PMID: 36413997)), PP4 (supporting pathogenic): This variant has been reported in two individuals affected with ovarian cancer (PMID: 26261251, 36099300) and in an individual affected with breast cancer (PMID: 35127508). In GC-HBOC center Cologne found in 2 daughters of independent OC patients, one BC patient and in tumor material of an additional OC patient.

Labcorp Genetics (formerly Invitae), Labcorp
Classification: Uncertain significance for Fanconi anemia complementation group O. Last evaluated: 2025-04-13. Review status: criteria provided, single submitter. Criteria: Invitae Variant Classification Sherloc (09022015). Collection method: clinical testing. Allele origin: germline.
Comment: This sequence change replaces leucine, which is neutral and non-polar, with proline, which is neutral and non-polar, at codon 27 of the RAD51C protein (p.Leu27Pro). This variant is not present in population databases (gnomAD no frequency). This missense change has been observed in individual(s) with breast and/or ovarian cancer (PMID: 26261251, 34284872, 35127508, 36099300). ClinVar contains an entry for this variant (Variation ID: 140837). Invitae Evidence Modeling of protein sequence and biophysical properties (such as structural, functional, and spatial information, amino acid conservation, physicochemical variation, residue mobility, and thermodynamic stability) indicates that this missense variant is expected to disrupt RAD51C protein function with a positive predictive value of 80%. Experimental studies have shown that this missense change affects RAD51C function (PMID: 36099300, 37253112). In summary, the available evidence is currently insufficient to determine the role of this variant in disease. Therefore, it has been classified as a Variant of Uncertain Significance.

Color Diagnostics, LLC DBA Color Health
Classification: Likely pathogenic for Hereditary cancer-predisposing syndrome. Last evaluated: 2025-04-07. Review status: criteria provided, single submitter. Criteria: ACMG Guidelines, 2015. Collection method: clinical testing. Allele origin: germline.
Comment: This missense variant replaces leucine with proline at codon 27 of the RAD51C protein. Computational prediction suggests that this variant may have deleterious impact on protein structure and function. Functional studies have shown that this variant significantly reduced homologous recombination activity (PMID: 36099300, 37253112), sensitivity to cisplatin and olaparib (PMID: 37253112), and impacts function (PMID: 39299233). Studies have also shown that this variant does not disrupt interactions with RAD51B and XRCC3, disrupts interactions with XRCC2, and conflicting results as to whether this variant impacts interactions with RAD51D (PMID: 36099300, 37253112). This variant has been reported in two individuals affected with ovarian cancer (PMID: 26261251, 36099300) and in an individual affected with breast cancer (PMID: 35127508). This variant has not been identified in the general population by the Genome Aggregation Database (gnomAD). Based on the available evidence, this variant is classified as Likely Pathogenic.

Myriad Genetics, Inc.
Classification: Likely pathogenic for Breast-ovarian cancer, familial, susceptibility to, 3. Last evaluated: 2024-11-25. Review status: criteria provided, single submitter. Criteria: Myriad Autosomal Dominant, Autosomal Recessive and X-Linked Classification Criteria (2023). Collection method: clinical testing. Allele origin: unknown.
Comment: This variant is considered likely pathogenic. Functional studies indicate this variant impacts protein function [PMID: 39299233, 37253112, 36099300]. This variant is expected to disrupt protein structure [Myriad internal data].

Baylor Genetics
Classification: Uncertain significance for Breast-ovarian cancer, familial, susceptibility to, 3. Last evaluated: 2023-12-21. Review status: criteria provided, single submitter. Criteria: ACMG Guidelines, 2015. Collection method: clinical testing. Allele origin: unknown.

GeneDx
Classification: Uncertain significance. Last evaluated: 2023-11-22. Review status: criteria provided, single submitter. Criteria: GeneDx Variant Classification Process June 2021. Collection method: clinical testing. Allele origin: germline. Affected: yes.
Comment: Not observed at significant frequency in large population cohorts (gnomAD); In silico analysis supports that this missense variant has a deleterious effect on protein structure/function; This variant is associated with the following publications: (PMID: 28829762, 26261251, 36011273, 34284872)

Department of Pathology and Laboratory Medicine, Sinai Health System
Classification: Uncertain significance for Breast-ovarian cancer, familial, susceptibility to, 3. Last evaluated: 2023-02-13. Review status: criteria provided, single submitter. Criteria: ACMG Guidelines, 2015. Collection method: clinical testing. Allele origin: germline. Affected: yes.

Dipartimento Di Medicina Di Precisione, Università Degli Studi Della Campania Luigi Vanvitelli
Classification: Likely pathogenic for Breast-ovarian cancer, familial, susceptibility to, 2. Review status: criteria provided, single submitter. Criteria: ACMG Guidelines, 2015. Collection method: clinical testing. Allele origin: germline. Inheritance: Autosomal dominant inheritance. Affected: yes. Observed: 1 heterozygote.
Comment: The missense variant c.80T>C (p.Leu27Pro) in RAD51C, located in exon 1, results in the substitution of a conserved leucine residue within a critical domain involved in homologous recombination repair. In silico predictions (e.g., REVEL, CADD, PolyPhen-2) support a deleterious effect on protein function. The variant is rare in population databases and has been reported in patients with hereditary breast and ovarian cancer. Based on ACMG/AMP criteria (PM2, PP3, PP4), it is classified as likely pathogenic.

Literature cited by the submitters: PubMed 26261251 (cited by 4 submitters); PubMed 36099300 (cited by 4 submitters); PubMed 37253112 (cited by 4 submitters); PubMed 39299233 (cited by 3 submitters); PubMed 34284872 (cited by Labcorp Genetics (formerly Invitae), Labcorp); PubMed 35127508 (cited by Labcorp Genetics (formerly Invitae), Labcorp and Color Diagnostics, LLC DBA Color Health); DOI 10.1515/cclm-2012-0154 (cited by Dipartimento Di Medicina Di Precisione, Università Degli Studi Della Campania Luigi Vanvitelli).